The following is an entry in ClinVar:

ClinVar aggregate classification (germline): Uncertain significance (1 of 4 stars; one submission).

Conditions:
Hereditary cancer-predisposing syndrome. Also called: Hereditary Cancer Syndrome; Hereditary neoplastic syndrome; Neoplastic Syndromes, Hereditary; Tumor predisposition. Identifiers: Orphanet 140162, MedGen C0027672, MeSH D009386, MONDO:0015356.

Submission:

Ambry Genetics
Classification: Uncertain significance for Hereditary cancer-predisposing syndrome. Last evaluated: 2024-04-11. Review status: criteria provided, single submitter. Criteria: Ambry Variant Classification Scheme 2023. Collection method: clinical testing. Allele origin: germline.
Comment: The c.966A>G variant (also known as p.K322K) is located in coding exon 9 of the BRCA2 gene. This variant results from an A to G substitution at nucleotide position 966. This nucleotide substitution does not change the Lysine at codon 322. This nucleotide position is highly conserved in available vertebrate species. In silico splice site analysis predicts that this alteration may result in the creation or strengthening of a novel splice donor site. RNA studies have demonstrated that this alteration results in a splice defect; the clinical impact of this abnormal splicing is unknown at this time (Ambry internal data). Based on the available evidence, the clinical significance of this variant remains unclear.

NM_000059.4(BRCA2):c.966A>G (p.Lys322=)

Gene: BRCA2 (BRCA2 DNA repair associated; plus strand). Cytogenetic location: 13q13.1.
Variant type: single nucleotide variant.
Coding change: c.966A>G on transcript NM_000059.4 (MANE Select); coding-DNA position 966, A replaced by G.
Protein change: p.Lys322=; no amino-acid change (lysine 322 retained).
Molecular consequence: synonymous variant. On other transcripts: non-coding transcript variant (1), intron variant (1).
Genome position (GRCh38, 1-based): chr13:32,332,444, A>G. VCF-style: chr13-32332444-A-G. GRCh37 (hg19) VCF-style: chr13-32906581-A-G.
Other names: c.966A>G, p.Lys322= (NM_001406719.1, NM_001406720.1, NM_001406721.1); c.424+1414A>G (NM_001406722.1).
Identifiers: ClinVar variation 1767718 (VCV001767718.4), dbSNP rs879255473, ClinGen allele CA483436405.
Genomic context (GRCh38, chr13:32,332,444, plus strand): 5'-CTCTGAAGAAGATAGTTTTTCATTATGTTTTTCTAAATGTAGAACAAAAAATCTACAAAA[A>G]GTAAGAACTAGCAAGACTAGGAAAAAAATTTTCCATGAAGCAAACGCTGATGAATGTGAA-3'
Protein context (NP_000050.3, residues 312-332): FSKCRTKNLQ[Lys322=]VRTSKTRKKI